The following is an entry in ClinVar:

NM_000051.4(ATM):c.7977AGA[1] (p.Glu2660del)

Genes: ATM (ATM serine/threonine kinase; plus strand), C11orf65 (chromosome 11 open reading frame 65; minus strand). Cytogenetic location: 11q22.3.
Variant type: Microsatellite.
Coding change: c.7977AGA[1] on transcript NM_000051.4 (MANE Select); one copy of the 3-base unit AGA starting at c.7977; the reference has two copies in a row; one copy, 3 bases deleted.
Protein change: p.Glu2660del; deletes glutamic acid 2660.
Molecular consequence: inframe deletion. On other transcripts: inframe indel (1), intron variant (2).
Genome position (GRCh38, 1-based): chr11:108,333,938-108,333,940, AGA deleted; deleting any 3 consecutive bases within chr11:108,333,935-108,333,940 gives the same sequence; the position shown is the placement nearest the transcript's 3' end. VCF-style (leftmost placement, unchanged base first): chr11-108333934-TAGA-T. GRCh37 (hg19) VCF-style: chr11-108204661-TAGA-T.
Other names: c.7980_7982delAGA (NM_000051.3); c.7977AGA[1], p.Glu2660del (NM_001351834.2); c.641-24866_641-24864del (NM_001330368.2); c.*38+1283_*38+1285del (NM_001351110.2); short protein forms E2660del.
Identifiers: ClinVar variation 1010644 (VCV001010644.13), dbSNP rs2086551461, ClinGen allele CA1998811836.
Genomic context (GRCh38, chr11:108,333,934, plus strand): 5'-TTTTAAATACAGAAGGCATAAATATTCCAGCAGACCAGCCAATTACTAAACTTAAGAATT[TAGA>T]AGATGTTGTTGTCCCTACTATGGAAATTAAGGTAATTTGCAATTAACTCTTGATTTTTTT-3'

ClinVar aggregate classification (germline): Uncertain significance. Review status: criteria provided, multiple submitters, no conflicts (2 of 4 stars). 2 submissions from 2 submitters: Uncertain significance (2). Last evaluated 2025-11-10.

Conditions:
Hereditary cancer-predisposing syndrome. Also called: Neoplastic Syndromes, Hereditary; Tumor predisposition; Hereditary Cancer Syndrome; Hereditary neoplastic syndrome. Identifiers: Orphanet 140162, MedGen C0027672, MeSH D009386, MONDO:0015356.
Ataxia-telangiectasia syndrome (AT). Also called: Ataxia telangiectasia (A-T); ATAXIA-TELANGIECTASIA, COMPLEMENTATION GROUP A; ATAXIA-TELANGIECTASIA, FRESNO VARIANT; Ataxia-telangiectasia; Ataxia-telangiectasia, complementation group E; LOUIS-BAR SYNDROME. Identifiers: Orphanet 100, MedGen C0004135, MONDO:0008840, OMIM 208900.

Submissions (2):

Labcorp Genetics (formerly Invitae), Labcorp
Classification: Uncertain significance for Ataxia-telangiectasia syndrome. Last evaluated: 2025-11-10. Review status: criteria provided, single submitter. Criteria: Invitae Variant Classification Sherloc (09022015). Collection method: clinical testing. Allele origin: germline.
Comment: This variant, c.7980_7982del, results in the deletion of 1 amino acid(s) of the ATM protein (p.Glu2660del), but otherwise preserves the integrity of the reading frame. This variant is not present in population databases (gnomAD no frequency). This variant has not been reported in the literature in individuals affected with ATM-related conditions. Experimental studies and prediction algorithms are not available or were not evaluated, and the functional significance of this variant is currently unknown. Algorithms developed to predict the effect of sequence changes on RNA splicing suggest that this variant may disrupt the consensus splice site. In summary, the available evidence is currently insufficient to determine the role of this variant in disease. Therefore, it has been classified as a Variant of Uncertain Significance.

Ambry Genetics
Classification: Uncertain significance for Hereditary cancer-predisposing syndrome. Last evaluated: 2025-08-12. Review status: criteria provided, single submitter. Criteria: Ambry Variant Classification Scheme 2023. Collection method: clinical testing. Allele origin: germline.
Comment: The c.7980_7982delAGA variant (also known as p.E2660del) is located in coding exon 53 of the ATM gene. This variant results from an in-frame AGA deletion at nucleotide positions 7980 to 7982. This results in the in-frame deletion of a glutamic acid at codon 2660. Based on internal structural assessment, this alteration results in disruption of the kinase domain (Bareti D et al. Sci Adv, 2017 May;3:e1700933).This amino acid position is not well conserved in available vertebrate species. In addition, this alteration is predicted to be deleterious by in silico analysis (Choi Y et al. PLoS ONE. 2012; 7(10):e46688). Since supporting evidence is limited at this time, the clinical significance of this alteration remains unclear.

Literature cited by the submitters: PubMed 28508083 (cited by Ambry Genetics).